The following is an entry in ClinVar:

ClinVar aggregate classification (germline): Conflicting classifications of pathogenicity. Review status: criteria provided, conflicting classifications (1 of 4 stars). 4 submissions from 4 submitters: Uncertain significance (3); Benign (1). Last evaluated 2025-04-14.

Conditions:
Hereditary cancer-predisposing syndrome. Also called: Hereditary Cancer Syndrome; Hereditary neoplastic syndrome; Neoplastic Syndromes, Hereditary; Tumor predisposition. Identifiers: Orphanet 140162, MedGen C0027672, MeSH D009386, MONDO:0015356.
Hereditary breast ovarian cancer syndrome. Also called: BRCA1- and BRCA2-Associated Hereditary Breast and Ovarian Cancer; Hereditary breast and ovarian cancer syndrome; Hereditary breast and ovarian cancer syndrome (HBOC); Breast and ovarian cancer; Hereditary breast and ovarian cancer; Hereditary breast and/or ovarian cancer syndrome. Identifiers: Orphanet 145, MedGen C0677776, MeSH D061325, MONDO:0003582. Disease mechanism: loss of function.
Breast-ovarian cancer, familial, susceptibility to, 2 (BROVCA2). Also called: BRCA2 Hereditary Breast and Ovarian Cancer. Identifiers: Orphanet 145, MedGen C2675520, MONDO:0012933, OMIM 612555. Disease mechanism: loss of function.

gnomAD v4.1: 1 of 1,583,182 alleles (0.000063%); no homozygotes.

Submissions (4):

Quest Diagnostics Nichols Institute San Juan Capistrano
Classification: Uncertain significance. Last evaluated: 2025-04-14. Review status: criteria provided, single submitter. Criteria: Quest Diagnostics criteria. Collection method: clinical testing. Allele origin: unknown.
Comment: The BRCA2 c.6886A>T (p.Ile2296Leu) variant has been reported in the published literature in an individual with breast cancer (PMID: 33471991 (2021), see also LOVD). This variant has not been reported in large, multi-ethnic general populations (Genome Aggregation Database). Analysis of this variant using bioinformatics tools for the prediction of the effect of amino acid changes on protein structure and function yielded predictions that this variant is benign. Based on the available information, we are unable to determine the clinical significance of this variant.

Labcorp Genetics (formerly Invitae), Labcorp
Classification: Benign for Hereditary breast ovarian cancer syndrome. Last evaluated: 2025-02-24. Review status: criteria provided, single submitter. Criteria: Invitae Variant Classification Sherloc (09022015). Collection method: clinical testing. Allele origin: germline.

All of Us Research Program, National Institutes of Health
Classification: Uncertain significance for Breast-ovarian cancer, familial, susceptibility to, 2. Last evaluated: 2023-05-04. Review status: criteria provided, single submitter. Criteria: ACMG Guidelines, 2015. Collection method: clinical testing. Allele origin: germline. Inheritance: Autosomal dominant inheritance. Observed: 1 variant allele, 1 heterozygote.
Comment: This missense variant replaces isoleucine with leucine at codon 2296 of the BRCA2 protein. Computational prediction suggests that this variant may not impact protein structure and function (internally defined REVEL score threshold <= 0.5, PMID: 27666373). To our knowledge, functional studies have not been reported for this variant. This variant has been reported in an individual affected with breast cancer (PMID: 33471991; Leiden Open Variation Database DB-ID BRCA2_008529). This variant has not been identified in the general population by the Genome Aggregation Database (gnomAD). The available evidence is insufficient to determine the role of this variant in disease conclusively. Therefore, this variant is classified as a Variant of Uncertain Significance.

This study involves interpretation of variants in research participants for the purpose of population health screening. Participant phenotype was not available at the time of variant classification. Additional details can be found in publication PMID: 35346344, PMCID: PMC8962531

Color Diagnostics, LLC DBA Color Health
Classification: Uncertain significance for Hereditary cancer-predisposing syndrome. Last evaluated: 2023-04-05. Review status: criteria provided, single submitter. Criteria: ACMG Guidelines, 2015. Collection method: clinical testing. Allele origin: germline.
Comment: This missense variant replaces isoleucine with leucine at codon 2296 of the BRCA2 protein. Computational prediction suggests that this variant may not impact protein structure and function (internally defined REVEL score threshold <= 0.5, PMID: 27666373). To our knowledge, functional studies have not been reported for this variant. This variant has been reported in an individual affected with breast cancer (PMID: 33471991; Leiden Open Variation Database DB-ID BRCA2_008529). This variant has not been identified in the general population by the Genome Aggregation Database (gnomAD). The available evidence is insufficient to determine the role of this variant in disease conclusively. Therefore, this variant is classified as a Variant of Uncertain Significance.

Literature cited by the submitters: PubMed 33471991 (cited by 3 submitters).

NM_000059.4(BRCA2):c.6886A>T (p.Ile2296Leu)

Gene: BRCA2 (BRCA2 DNA repair associated; plus strand). Cytogenetic location: 13q13.1.
Variant type: single nucleotide variant.
Coding change: c.6886A>T on transcript NM_000059.4 (MANE Select); coding-DNA position 6886, A replaced by T.
Protein change: p.Ile2296Leu; replaces isoleucine 2296 with leucine.
Molecular consequence: missense variant.
Genome position (GRCh38, 1-based): chr13:32,344,602, A>T. VCF-style: chr13-32344602-A-T. GRCh37 (hg19) VCF-style: chr13-32918739-A-T.
Other names: short protein forms I2296L.
Identifiers: ClinVar variation 924286 (VCV000924286.9), dbSNP rs576279166, ClinGen allele CA387792784.